The following is an entry in ClinVar:

NM_006005.3(WFS1):c.2437G>A (p.Val813Met)

Gene: WFS1 (wolframin ER transmembrane glycoprotein; plus strand). Cytogenetic location: 4p16.1.
Variant type: single nucleotide variant.
Coding change: c.2437G>A on transcript NM_006005.3 (MANE Select); coding-DNA position 2437, G replaced by A.
Protein change: p.Val813Met; replaces valine 813 with methionine.
Molecular consequence: missense variant.
Genome position (GRCh38, 1-based): chr4:6,302,232, G>A. VCF-style: chr4-6302232-G-A. GRCh37 (hg19) VCF-style: chr4-6303959-G-A.
Other names: c.2437G>A, p.Val813Met (NM_001145853.1); short protein forms V813M.
Identifiers: ClinVar variation 373968 (VCV000373968.9), dbSNP rs756972444, ClinGen allele CA2839737.

ClinVar aggregate classification (germline): Uncertain significance. Review status: criteria provided, multiple submitters, no conflicts (2 of 4 stars). 4 submissions from 4 submitters: Uncertain significance (4). Last evaluated 2024-07-13.

Conditions:
Wolfram-like syndrome. Also called: HEARING LOSS, PROGRESSIVE, WITH OPTIC ATROPHY AND/OR IMPAIRED GLUCOSE REGULATION. Identifiers: Orphanet 411590, MedGen C3280358, MONDO:0013673, OMIM 614296.
Type 2 diabetes mellitus. Also called: Type II diabetes mellitus. Identifiers: MedGen C0011860, MeSH D003924, MONDO:0005148, OMIM 125853, HP:0005978.
Autosomal dominant nonsyndromic hearing loss 6 (LFSNHL). Also called: DEAFNESS, AUTOSOMAL DOMINANT 14; DEAFNESS, AUTOSOMAL DOMINANT 38; DEAFNESS, AUTOSOMAL DOMINANT 6; Autosomal dominant nonsyndromic deafness 6. Identifiers: Orphanet 90635, MedGen C1833021, MONDO:0010963, OMIM 600965.
Wolfram syndrome 1 (WFS1). Identifiers: Orphanet 3463, MedGen C4551693, MONDO:0009101, OMIM 222300.
Cataract 41 (CTRCT41). Also called: CATARACT 41, CONGENITAL NUCLEAR TYPE. Identifiers: Orphanet 91492, Orphanet 98991, Orphanet 98992, Orphanet 98995, MedGen C3805412, MONDO:0007287, OMIM 116400.
Hearing impairment. Also called: Impaired Hearing. Identifiers: MedGen C1384666, MONDO:0005365, HP:0000365.

Allele frequency attached by ClinVar (database versions not stated): gnomAD 0.00001; gnomAD exomes 0.00002; ExAC 0.00003; TOPMed 0.00003.
gnomAD v4.1: 20 of 1,607,778 alleles (0.0012%); highest among the groups gnomAD compares: African/African-American, 0.0027%; no homozygotes.

Submissions (4):

Labcorp Genetics (formerly Invitae), Labcorp
Classification: Uncertain significance. Last evaluated: 2024-07-13. Review status: criteria provided, single submitter. Criteria: Invitae Variant Classification Sherloc (09022015). Collection method: clinical testing. Allele origin: germline.
Comment: This sequence change replaces valine, which is neutral and non-polar, with methionine, which is neutral and non-polar, at codon 813 of the WFS1 protein (p.Val813Met). This variant is present in population databases (rs756972444, gnomAD 0.007%). This variant has not been reported in the literature in individuals affected with WFS1-related conditions. ClinVar contains an entry for this variant (Variation ID: 373968). Advanced modeling of protein sequence and biophysical properties (such as structural, functional, and spatial information, amino acid conservation, physicochemical variation, residue mobility, and thermodynamic stability) performed at Invitae indicates that this missense variant is not expected to disrupt WFS1 protein function with a negative predictive value of 95%. In summary, the available evidence is currently insufficient to determine the role of this variant in disease. Therefore, it has been classified as a Variant of Uncertain Significance.

Blueprint Genetics
Classification: Uncertain significance. Last evaluated: 2022-10-07. Review status: criteria provided, single submitter. Criteria: ACMG Guidelines, 2015. Collection method: clinical testing. Allele origin: germline.

Fulgent Genetics
Classification: Uncertain significance for Cataract 41; Type 2 diabetes mellitus; Wolfram syndrome 1; Autosomal dominant nonsyndromic hearing loss 6; Wolfram-like syndrome. Last evaluated: 2022-05-16. Review status: criteria provided, single submitter. Criteria: ACMG Guidelines, 2015. Collection method: clinical testing. Allele origin: unknown.

Centre for Mendelian Genomics, University Medical Centre Ljubljana
Classification: Uncertain significance for Hearing impairment. Last evaluated: 2015-03-25. Review status: criteria provided, single submitter. Criteria: ACMG Guidelines, 2015. Collection method: clinical testing. Allele origin: unknown. Affected: yes.